The following is an entry in ClinVar:

ClinVar aggregate classification (germline): Uncertain significance (1 of 4 stars; one submission).

Submission:

GeneDx
Classification: Uncertain significance. Last evaluated: 2025-04-07. Review status: criteria provided, single submitter. Criteria: GeneDx Variant Classification Process June 2021. Collection method: clinical testing. Allele origin: germline.
Comment: Not observed at significant frequency in large population cohorts (gnomAD); In silico analysis supports that this missense variant has a deleterious effect on protein structure/function; Has not been previously published as pathogenic or benign to our knowledge

NM_005631.5(SMO):c.242C>G (p.Ser81Trp)

Gene: SMO (smoothened, frizzled class receptor; plus strand). Cytogenetic location: 7q32.1.
Variant type: single nucleotide variant.
Coding change: c.242C>G on transcript NM_005631.5 (MANE Select); coding-DNA position 242, C replaced by G.
Protein change: p.Ser81Trp; replaces serine 81 with tryptophan.
Molecular consequence: missense variant.
Genome position (GRCh38, 1-based): chr7:129,189,393, C>G. VCF-style: chr7-129189393-C-G. GRCh37 (hg19) VCF-style: chr7-128829234-C-G.
Other names: short protein forms S81W.
Identifiers: ClinVar variation 3384393 (VCV003384393.2).